The following is an entry in ClinVar:

NM_019032.6(ADAMTSL4):c.794C>T (p.Pro265Leu)

Genes: ADAMTSL4 (ADAMTS like 4; plus strand), ADAMTSL4-AS2 (ADAMTSL4 antisense RNA 2; minus strand). Cytogenetic location: 1q21.2.
Variant type: single nucleotide variant.
Coding change: c.794C>T on transcript NM_019032.6 (MANE Select); coding-DNA position 794, C replaced by T.
Protein change: p.Pro265Leu; replaces proline 265 with leucine.
Molecular consequence: missense variant.
Genome position (GRCh38, 1-based): chr1:150,553,785, C>T. VCF-style: chr1-150553785-C-T. GRCh37 (hg19) VCF-style: chr1-150526261-C-T.
Other names: c.794C>T, p.Pro265Leu (NM_001288607.2, NM_001288608.2, NM_001378596.1 and 1 more transcripts); c.794C>T (NM_019032.4); short protein forms P265L.
Identifiers: ClinVar variation 1484067 (VCV001484067.4), dbSNP rs759041116, ClinGen allele CA1078040.
Genomic context (GRCh38, chr1:150,553,785, plus strand): 5'-GGCCTGCCCCCCTACGGCATCACCCCAGAGCCCAGGCCTCTGGCACAGAGCCCCCCTCAC[C>T]CACGCACTCCTTAGGAGAAGGTGGCTTCTTCCGTGCATCCCCTCAGCCACGAAGGCCAAG-3'
Protein context (NP_061905.2, residues 255-275): AQASGTEPPS[Pro265Leu]THSLGEGGFF

ClinVar aggregate classification (germline): Uncertain significance. Review status: criteria provided, multiple submitters, no conflicts (2 of 4 stars). 2 submissions from 2 submitters: Uncertain significance (2). Last evaluated 2024-03-07.

Conditions:
Inborn genetic diseases. Identifiers: MedGen C0950123, MeSH D030342.

Allele frequency attached by ClinVar (database versions not stated): ExAC 0.00001; gnomAD 0.00001; gnomAD exomes 0.00002; TOPMed 0.00005.
gnomAD v4.1: 16 of 1,613,922 alleles (0.00099%); highest among the groups gnomAD compares: Admixed American, 0.023%; no homozygotes.

Submissions (2):

Ambry Genetics
Classification: Uncertain significance for Inborn genetic diseases. Last evaluated: 2024-03-07. Review status: criteria provided, single submitter. Criteria: Ambry Variant Classification Scheme 2023. Collection method: clinical testing. Allele origin: germline.

Labcorp Genetics (formerly Invitae), Labcorp
Classification: Uncertain significance. Last evaluated: 2022-03-18. Review status: criteria provided, single submitter. Criteria: Invitae Variant Classification Sherloc (09022015). Collection method: clinical testing. Allele origin: germline.
Comment: This sequence change replaces proline, which is neutral and non-polar, with leucine, which is neutral and non-polar, at codon 265 of the ADAMTSL4 protein (p.Pro265Leu). This variant is present in population databases (rs759041116, gnomAD 0.02%). This variant has not been reported in the literature in individuals affected with ADAMTSL4-related conditions. Algorithms developed to predict the effect of missense changes on protein structure and function (SIFT, PolyPhen-2, Align-GVGD) all suggest that this variant is likely to be tolerated. In summary, the available evidence is currently insufficient to determine the role of this variant in disease. Therefore, it has been classified as a Variant of Uncertain Significance.